The following is an entry in ClinVar:

NM_000548.5(TSC2):c.4850-7C>T

Gene: TSC2 (TSC complex subunit 2; plus strand). Cytogenetic location: 16p13.3.
Variant type: single nucleotide variant.
Coding change: c.4850-7C>T on transcript NM_000548.5 (MANE Select); 7 bases into the intron before coding-DNA position 4850, C replaced by T.
Molecular consequence: intron variant.
Genome position (GRCh38, 1-based): chr16:2,086,725, C>T. VCF-style: chr16-2086725-C-T. GRCh37 (hg19) VCF-style: chr16-2136726-C-T.
Other names: c.4781-7C>T (NM_001114382.3); c.4721-7C>T (NM_021055.3, NM_001370405.1); c.4652-7C>T (NM_001363528.2); c.4718-7C>T (NM_001370404.1); c.4649-7C>T (NM_001077183.3); c.4541-7C>T (NM_001318827.2); c.4118-7C>T (NM_001318831.2); c.4505-7C>T (NM_001318829.2); and 1 more.
Identifiers: ClinVar variation 536008 (VCV000536008.10), dbSNP rs1188604363, ClinGen allele CA620706060.

ClinVar aggregate classification (germline): Likely benign. Review status: criteria provided, multiple submitters, no conflicts (2 of 4 stars). 2 submissions from 2 submitters: Likely benign (2). Last evaluated 2025-06-05.

Conditions:
Tuberous sclerosis 2 (TSC2). Identifiers: Orphanet 805, MedGen C1860707, MONDO:0013199, OMIM 613254.

Allele frequency attached by ClinVar (database versions not stated): gnomAD exomes below 0.00001; gnomAD 0.00001.
gnomAD v4.1: 2 of 1,609,496 alleles (0.00012%); highest among the groups gnomAD compares: African/African-American, 0.0013%; no homozygotes.

Submissions (2):

Myriad Genetics, Inc.
Classification: Likely benign for Tuberous sclerosis 2. Last evaluated: 2025-06-05. Review status: criteria provided, single submitter. Criteria: Myriad Autosomal Dominant, Autosomal Recessive and X-Linked Classification Criteria (2023). Collection method: clinical testing. Allele origin: unknown.
Comment: This variant is considered likely benign. This variant is intronic and is not expected to impact mRNA splicing.

Labcorp Genetics (formerly Invitae), Labcorp
Classification: Likely benign for Tuberous sclerosis 2. Last evaluated: 2022-05-22. Review status: criteria provided, single submitter. Criteria: Invitae Variant Classification Sherloc (09022015). Collection method: clinical testing. Allele origin: germline.